The following is an entry in ClinVar:

ClinVar aggregate classification (germline): Uncertain significance (1 of 4 stars; one submission).

Conditions:
Cranium bifidum occultum. Also called: Enlarged Parietal Foramina; CATLIN MARKS; CRANIUM BIFIDUM, HEREDITARY. Identifiers: MedGen C1868598, HP:0004423.

Allele frequency attached by ClinVar (database versions not stated): TOPMed 0.00001; gnomAD exomes 0.00002.
gnomAD v4.1: 28 of 1,614,108 alleles (0.0017%); highest among the groups gnomAD compares: Non-Finnish European, 0.0024%; no homozygotes.

Submission:

Labcorp Genetics (formerly Invitae), Labcorp
Classification: Uncertain significance for Cranium bifidum occultum. Last evaluated: 2022-08-22. Review status: criteria provided, single submitter. Criteria: Invitae Variant Classification Sherloc (09022015). Collection method: clinical testing. Allele origin: germline.
Comment: In summary, the available evidence is currently insufficient to determine the role of this variant in disease. Therefore, it has been classified as a Variant of Uncertain Significance. Algorithms developed to predict the effect of missense changes on protein structure and function (SIFT, PolyPhen-2, Align-GVGD) all suggest that this variant is likely to be disruptive. This variant has not been reported in the literature in individuals affected with MSX2-related conditions. This variant is present in population databases (no rsID available, gnomAD 0.0009%). This sequence change replaces threonine, which is neutral and polar, with alanine, which is neutral and non-polar, at codon 151 of the MSX2 protein (p.Thr151Ala).

NM_002449.5(MSX2):c.451A>G (p.Thr151Ala)

Gene: MSX2 (msh homeobox 2; plus strand). Cytogenetic location: 5q35.2.
Variant type: single nucleotide variant.
Coding change: c.451A>G on transcript NM_002449.5 (MANE Select); coding-DNA position 451, A replaced by G.
Protein change: p.Thr151Ala; replaces threonine 151 with alanine.
Molecular consequence: missense variant. On other transcripts: 3 prime UTR variant (1).
Genome position (GRCh38, 1-based): chr5:174,729,230, A>G. VCF-style: chr5-174729230-A-G. GRCh37 (hg19) VCF-style: chr5-174156233-A-G.
Other names: c.*75A>G (NM_001363626.2); short protein forms T151A.
Identifiers: ClinVar variation 2173106 (VCV002173106.4), dbSNP rs1055665549, ClinGen allele CA132701452.